The following is an entry in ClinVar:

ClinVar aggregate classification (germline): Uncertain significance (1 of 4 stars; one submission).

Conditions:
Ataxia-telangiectasia syndrome (AT). Also called: ATAXIA-TELANGIECTASIA, FRESNO VARIANT; Ataxia-telangiectasia, complementation group D; AT, COMPLEMENTATION GROUP C; Cerebello-oculocutaneous telangiectasia; Immunodeficiency with ataxia telangiectasia; Ataxia telangiectasia (A-T). Identifiers: Orphanet 100, MedGen C0004135, MONDO:0008840, OMIM 208900.

Submission:

Labcorp Genetics (formerly Invitae), Labcorp
Classification: Uncertain significance for Ataxia-telangiectasia syndrome. Last evaluated: 2020-09-09. Review status: criteria provided, single submitter. Criteria: Invitae Variant Classification Sherloc (09022015). Collection method: clinical testing. Allele origin: germline.
Comment: In summary, the available evidence is currently insufficient to determine the role of this variant in disease. Therefore, it has been classified as a Variant of Uncertain Significance. Algorithms developed to predict the effect of sequence changes on RNA splicing suggest that this variant may disrupt the consensus splice site, but this prediction has not been confirmed by published transcriptional studies. This variant has not been reported in the literature in individuals with ATM-related conditions. This variant is not present in population databases (ExAC no frequency). This sequence change falls in intron 36 of the ATM gene. It does not directly change the encoded amino acid sequence of the ATM protein.

NM_000051.4(ATM):c.5497-4dup

Gene: ATM (ATM serine/threonine kinase; plus strand). Cytogenetic location: 11q22.3.
Variant type: Duplication.
Coding change: c.5497-4dup on transcript NM_000051.4 (MANE Select); 4 bases into the intron before coding-DNA position 5497, one base duplicated (C; older notation c.5497-4dupC).
Molecular consequence: intron variant.
Genome position (GRCh38, 1-based): chr11:108,304,671, C duplicated. VCF-style (leftmost placement, unchanged base first): chr11-108304670-T-TC. GRCh37 (hg19) VCF-style: chr11-108175397-T-TC.
Other names: c.5497-4dup (NM_001351834.2).
Identifiers: ClinVar variation 1025705 (VCV001025705.8), dbSNP rs2083589744, ClinGen allele CA1998801183.
Genomic context (GRCh38, chr11:108,304,670, plus strand): 5'-GTAAAATGTATTAATTTTACTCATTTTTACTCAAACTATTGGGTGGATTTGTTTGTATAT[T>TC]CTAGGTGAAAACTGACTTTTGTCAGACTGTACTTCCATACTTGATTCATGATATTTTACT-3'